The following is an entry in ClinVar:

ClinVar aggregate classification (germline): Uncertain significance (1 of 4 stars; one submission).

Submission:

GeneDx
Classification: Uncertain significance. Last evaluated: 2023-02-06. Review status: criteria provided, single submitter. Criteria: GeneDx Variant Classification Process June 2021. Collection method: clinical testing. Allele origin: germline. Affected: yes.
Comment: Not observed at significant frequency in large population cohorts (gnomAD); In silico analysis supports that this missense variant does not alter protein structure/function; Has not been previously published as pathogenic or benign to our knowledge

NM_001199107.2(TBC1D24):c.1600A>G (p.Asn534Asp)

Gene: TBC1D24 (TBC1 domain family member 24; plus strand). Cytogenetic location: 16p13.3.
Variant type: single nucleotide variant.
Coding change: c.1600A>G on transcript NM_001199107.2 (MANE Select); coding-DNA position 1600, A replaced by G.
Protein change: p.Asn534Asp; replaces asparagine 534 with aspartic acid.
Molecular consequence: missense variant.
Genome position (GRCh38, 1-based): chr16:2,500,878, A>G. VCF-style: chr16-2500878-A-G. GRCh37 (hg19) VCF-style: chr16-2550879-A-G.
Other names: c.1582A>G, p.Asn528Asp (NM_020705.3); short protein forms N528D, N534D.
Identifiers: ClinVar variation 2574915 (VCV002574915.1), dbSNP rs2505529257, ClinGen allele CA394382216.